The following is an entry in ClinVar:

ClinVar aggregate classification (germline): Uncertain significance (1 of 4 stars; one submission).

Conditions:
Hereditary cancer-predisposing syndrome. Also called: Neoplastic Syndromes, Hereditary; Tumor predisposition; Hereditary Cancer Syndrome; Hereditary neoplastic syndrome. Identifiers: Orphanet 140162, MedGen C0027672, MeSH D009386, MONDO:0015356.

Submission:

Ambry Genetics
Classification: Uncertain significance for Hereditary cancer-predisposing syndrome. Last evaluated: 2025-12-03. Review status: criteria provided, single submitter. Criteria: Ambry Variant Classification Scheme 2023. Collection method: clinical testing. Allele origin: germline.
Comment: The p.N1385D variant (also known as c.4153A>G), located in coding exon 33 of the POLE gene, results from an A to G substitution at nucleotide position 4153. The asparagine at codon 1385 is replaced by aspartic acid, an amino acid with highly similar properties. This amino acid position is well conserved in available vertebrate species. In addition, this alteration is predicted to be tolerated by in silico analysis. Based on the available evidence, the clinical significance of this variant remains unclear.

NM_006231.4(POLE):c.4153A>G (p.Asn1385Asp)

Gene: POLE (DNA polymerase epsilon, catalytic subunit; minus strand). Cytogenetic location: 12q24.33.
Variant type: single nucleotide variant.
Coding change: c.4153A>G on transcript NM_006231.4 (MANE Select); coding-DNA position 4153, A replaced by G.
Protein change: p.Asn1385Asp; replaces asparagine 1385 with aspartic acid.
Molecular consequence: missense variant.
Genome position (GRCh38, 1-based): chr12:132,643,974, T>C on the plus strand (A>G on the coding strand, the complement: POLE is on the minus strand). VCF-style: chr12-132643974-T-C. GRCh37 (hg19) VCF-style: chr12-133220560-T-C.
Other names: short protein forms N1385D.
Identifiers: ClinVar variation 4670915 (VCV004670915.1).